The following is an entry in ClinVar:

ClinVar aggregate classification (germline): Uncertain significance. Review status: criteria provided, multiple submitters, no conflicts (2 of 4 stars). 2 submissions from 2 submitters: Uncertain significance (2). Last evaluated 2024-03-18.

Conditions:
Glycogen storage disease, type V (GSD5). Also called: MCARDLE DISEASE; MUSCLE GLYCOGEN PHOSPHORYLASE DEFICIENCY; MYOPHOSPHORYLASE DEFICIENCY; PYGM DEFICIENCY; McArdle type glycogen storage disease. Identifiers: Orphanet 368, MedGen C0017924, MONDO:0009293, OMIM 232600.

Allele frequency attached by ClinVar (database versions not stated): gnomAD exomes below 0.00001; ExAC 0.00001.
gnomAD v4.1: 6 of 1,613,874 alleles (0.00037%); highest among the groups gnomAD compares: Non-Finnish European, 0.00051%; no homozygotes.

Submissions (2):

Revvity Omics, Revvity
Classification: Uncertain significance for Glycogen storage disease, type V. Last evaluated: 2024-03-18. Review status: criteria provided, single submitter. Criteria: ACMG Guidelines, 2015. Collection method: clinical testing. Allele origin: germline.

Labcorp Genetics (formerly Invitae), Labcorp
Classification: Uncertain significance for Glycogen storage disease, type V. Last evaluated: 2022-03-17. Review status: criteria provided, single submitter. Criteria: Invitae Variant Classification Sherloc (09022015). Collection method: clinical testing. Allele origin: germline.
Comment: This sequence change replaces arginine, which is basic and polar, with lysine, which is basic and polar, at codon 352 of the PYGM protein (p.Arg352Lys). This variant is present in population databases (rs759846298, gnomAD 0.0009%). This variant has not been reported in the literature in individuals affected with PYGM-related conditions. Algorithms developed to predict the effect of missense changes on protein structure and function are either unavailable or do not agree on the potential impact of this missense change (SIFT: "Not Available"; PolyPhen-2: "Probably Damaging"; Align-GVGD: "Not Available"). In summary, the available evidence is currently insufficient to determine the role of this variant in disease. Therefore, it has been classified as a Variant of Uncertain Significance.

NM_005609.4(PYGM):c.1055G>A (p.Arg352Lys)

Gene: PYGM (glycogen phosphorylase, muscle associated; minus strand). Cytogenetic location: 11q13.1.
Variant type: single nucleotide variant.
Coding change: c.1055G>A on transcript NM_005609.4 (MANE Select); coding-DNA position 1055, G replaced by A.
Protein change: p.Arg352Lys; replaces arginine 352 with lysine.
Molecular consequence: missense variant.
Genome position (GRCh38, 1-based): chr11:64,754,290, C>T on the plus strand (G>A on the coding strand, the complement: PYGM is on the minus strand). VCF-style: chr11-64754290-C-T. GRCh37 (hg19) VCF-style: chr11-64521762-C-T.
Other names: c.791G>A, p.Arg264Lys (NM_001164716.1); short protein forms R352K, R264K.
Identifiers: ClinVar variation 2200548 (VCV002200548.2), dbSNP rs759846298, ClinGen allele CA6080026.